The following is an entry in ClinVar:

NM_022455.5(NSD1):c.4398C>G (p.Asp1466Glu)

Gene: NSD1 (nuclear receptor binding SET domain protein 1; plus strand). Cytogenetic location: 5q35.3.
Variant type: single nucleotide variant.
Coding change: c.4398C>G on transcript NM_022455.5 (MANE Select); coding-DNA position 4398, C replaced by G.
Protein change: p.Asp1466Glu; replaces aspartic acid 1466 with glutamic acid.
Molecular consequence: missense variant.
Genome position (GRCh38, 1-based): chr5:177,246,697, C>G. VCF-style: chr5-177246697-C-G. GRCh37 (hg19) VCF-style: chr5-176673698-C-G.
Other names: c.3525C>G, p.Asp1175Glu (NM_001365684.2, NM_001409306.1, NM_001409307.1 and 3 more transcripts); c.4398C>G, p.Asp1466Glu (NM_001409301.1, NM_001409302.1, NM_001409303.1); c.3978C>G, p.Asp1326Glu (NM_001409304.1); c.3645C>G, p.Asp1215Glu (NM_001409305.1); short protein forms D1215E, D1326E, D1197E, D1466E, D1175E.
Identifiers: ClinVar variation 2016900 (VCV002016900.4), dbSNP rs74922885, ClinGen allele CA362348484.

ClinVar aggregate classification (germline): Uncertain significance (1 of 4 stars; one submission).

Submission:

Labcorp Genetics (formerly Invitae), Labcorp
Classification: Uncertain significance. Last evaluated: 2022-08-03. Review status: criteria provided, single submitter. Criteria: Invitae Variant Classification Sherloc (09022015). Collection method: clinical testing. Allele origin: germline.
Comment: In summary, the available evidence is currently insufficient to determine the role of this variant in disease. Therefore, it has been classified as a Variant of Uncertain Significance. Advanced modeling of protein sequence and biophysical properties (such as structural, functional, and spatial information, amino acid conservation, physicochemical variation, residue mobility, and thermodynamic stability) performed at Invitae indicates that this missense variant is not expected to disrupt NSD1 protein function. This sequence change replaces aspartic acid, which is acidic and polar, with glutamic acid, which is acidic and polar, at codon 1466 of the NSD1 protein (p.Asp1466Glu). This variant is not present in population databases (gnomAD no frequency). This variant has not been reported in the literature in individuals affected with NSD1-related conditions.